The following is an entry in ClinVar:

NM_001165963.4(SCN1A):c.1410C>T (p.Ser470=)

Gene: SCN1A (sodium voltage-gated channel alpha subunit 1; minus strand). Cytogenetic location: 2q24.3.
Variant type: single nucleotide variant.
Coding change: c.1410C>T on transcript NM_001165963.4 (MANE Select); coding-DNA position 1410, C replaced by T.
Protein change: p.Ser470=; no amino-acid change (serine 470 retained).
Molecular consequence: synonymous variant. On other transcripts: 5 prime UTR variant (1), non-coding transcript variant (1).
Genome position (GRCh38, 1-based): chr2:166,045,295, G>A on the plus strand (C>T on the coding strand, the complement: SCN1A is on the minus strand). VCF-style: chr2-166045295-G-A. GRCh37 (hg19) VCF-style: chr2-166901805-G-A.
Other names: c.1410C>T, p.Ser470= (NM_001165964.3, NM_001202435.3, NM_001353948.2 and 7 more transcripts); c.1407C>T, p.Ser469= (NM_001353954.2, NM_001353955.2, NM_001353960.2); c.-1016C>T (NM_001353961.2).
Identifiers: ClinVar variation 212117 (VCV000212117.53), dbSNP rs142571794, ClinGen allele CA205771.

ClinVar aggregate classification (germline): Benign/Likely benign. Review status: criteria provided, multiple submitters, no conflicts (2 of 4 stars). 8 submissions from 7 submitters: Benign (3); Likely benign (5). Last evaluated 2026-02-01.

Conditions:
Early-infantile DEE. Also called: Ohtahara syndrome; Early infantile epileptic encephalopathy; Early infantile epileptic encephalopathy with suppression bursts. Identifiers: Orphanet 1934, MedGen C0393706, MONDO:0800491.
Inborn genetic diseases. Identifiers: MedGen C0950123, MeSH D030342.
Migraine, familial hemiplegic, 3. Identifiers: Orphanet 569, MedGen C1864987, MONDO:0012320, OMIM 609634.
Generalized epilepsy with febrile seizures plus, type 2 (GEFSP2). Also called: GEFS+, TYPE 2. Identifiers: Orphanet 36387, MedGen C1858673, MONDO:0011461, OMIM 604403.

Allele frequency attached by ClinVar (database versions not stated): ESP Exome Variant Server 0.00008; gnomAD 0.00015 and 0.00025; TOPMed 0.00025; ExAC 0.00046; 1000 Genomes Project 30x 0.00125; 1000 Genomes Project 0.00140.
gnomAD v4.1: 407 of 1,614,142 alleles (0.025%); highest among the groups gnomAD compares: East Asian, 0.61%; 1 homozygote.

Submissions (8):

CeGaT Center for Human Genetics Tuebingen
Classification: Likely benign. Last evaluated: 2026-02-01. Review status: criteria provided, single submitter. Criteria: CeGaT Center For Human Genetics Tuebingen Variant Classification Criteria Version 2. Collection method: clinical testing. Allele origin: germline. Affected: yes. Observed: 2 variant alleles.
Comment: SCN1A: BP4, BP7, BS1

Labcorp Genetics (formerly Invitae), Labcorp
Classification: Benign for Early-infantile DEE. Last evaluated: 2025-11-17. Review status: criteria provided, single submitter. Criteria: Invitae Variant Classification Sherloc (09022015). Collection method: clinical testing. Allele origin: germline.

Blueprint Genetics
Classification: Likely benign. Last evaluated: 2024-10-17. Review status: criteria provided, single submitter. Criteria: ACMG Guidelines, 2015. Collection method: clinical testing. Allele origin: germline.

Illumina Laboratory Services, Illumina
Classification: Benign for Migraine, familial hemiplegic, 3. Last evaluated: 2018-01-13. Review status: criteria provided, single submitter. Criteria: ICSL Variant Classification Criteria 13 December 2019. Collection method: clinical testing. Allele origin: germline.
Comment: This variant was observed in the ICSL laboratory as part of a predisposition screen in an ostensibly healthy population. It had not been previously curated by ICSL or reported in the Human Gene Mutation Database (HGMD: prior to June 1st, 2018), and was therefore a candidate for classification through an automated scoring system. Utilizing variant allele frequency, disease prevalence and penetrance estimates, and inheritance mode, an automated score was calculated to assess if this variant is too frequent to cause the disease. Based on the score and internal cut-off values, a variant classified as benign is not then subjected to further curation. The score for this variant resulted in a classification of benign for this disease.

Illumina Laboratory Services, Illumina
Classification: Likely benign for Generalized epilepsy with febrile seizures plus, type 2. Last evaluated: 2018-01-13. Review status: criteria provided, single submitter. Criteria: ICSL Variant Classification Criteria 13 December 2019. Collection method: clinical testing. Allele origin: germline.
Comment: This variant was observed in the ICSL laboratory as part of a predisposition screen in an ostensibly healthy population. It had not been previously curated by ICSL or reported in the Human Gene Mutation Database (HGMD: prior to June 1st, 2018), and was therefore a candidate for classification through an automated scoring system. Utilizing variant allele frequency, disease prevalence and penetrance estimates, and inheritance mode, an automated score was calculated to assess if this variant is too frequent to cause the disease. Based on the score and internal cut-off values, a variant classified as likely benign is not then subjected to further curation. The score for this variant resulted in a classification of likely benign for this disease.

Ambry Genetics
Classification: Likely benign for Inborn genetic diseases. Last evaluated: 2016-08-23. Review status: criteria provided, single submitter. Criteria: Ambry Variant Classification Scheme 2023. Collection method: clinical testing. Allele origin: germline.

Genetic Services Laboratory, University of Chicago
Classification: Likely benign. Last evaluated: 2016-04-12. Review status: criteria provided, single submitter. Criteria: ACMG Guidelines, 2015. Collection method: clinical testing. Allele origin: germline. Affected: no.

GeneDx
Classification: Benign. Last evaluated: 2015-04-08. Review status: criteria provided, single submitter. Criteria: GeneDx Variant Classification (06012015). Collection method: clinical testing. Allele origin: germline. Affected: yes.
Comment: This variant is considered likely benign or benign based on one or more of the following criteria: it is a conservative change, it occurs at a poorly conserved position in the protein, it is predicted to be benign by multiple in silico algorithms, and/or has population frequency not consistent with disease.